The following is an entry in ClinVar:

NM_031956.4(TTC29):c.638_639del (p.Gln213fs)

Gene: TTC29 (tetratricopeptide repeat domain 29; minus strand). Cytogenetic location: 4q31.22.
Variant type: Deletion.
Coding change: c.638_639del on transcript NM_031956.4 (MANE Select); coding-DNA positions 638 to 639, 2 bases deleted (AG; older notation c.638_639delAG).
Protein change: p.Gln213fs; shifts the reading frame from glutamine 213.
Molecular consequence: frameshift variant. On other transcripts: non-coding transcript variant (1).
Genome position (GRCh38, 1-based): chr4:146,874,876-146,874,877, CT deleted on the plus strand (AG on the coding strand, the reverse complement: TTC29 is on the minus strand). VCF-style (leftmost placement, unchanged base first): chr4-146874875-CCT-C. GRCh37 (hg19) VCF-style: chr4-147796027-CCT-C.
Other names: c.716_717del, p.Gln239fs (NM_001300761.4); c.638_639del, p.Gln213fs (NM_001317806.3); short protein forms Q239fs, Q213fs.
Identifiers: ClinVar variation 4983763 (VCV004983763.1).

ClinVar aggregate classification (germline): Likely pathogenic (1 of 4 stars; one submission).

Conditions:
TTC29-related condition.

Submission:

PreventionGenetics, part of Exact Sciences
Classification: Likely pathogenic for TTC29-related condition. Last evaluated: 2025-04-14. Review status: criteria provided, single submitter. Criteria: ACMG Guidelines, 2015. Collection method: clinical testing. Allele origin: germline.
Comment: The TTC29 c.716_717delAG variant is predicted to result in a frameshift and premature protein termination (p.Gln239Argfs*7). To our knowledge, this variant has not been reported in the literature or in a large population database (gnomAD), indicating this variant is rare. Frameshift variants in TTC29 are expected to be pathogenic. This variant is interpreted as likely pathogenic.